The following is an entry in ClinVar:

NM_004360.5(CDH1):c.557G>T (p.Gly186Val)

Gene: CDH1 (cadherin 1; plus strand). Cytogenetic location: 16q22.1.
Variant type: single nucleotide variant.
Coding change: c.557G>T on transcript NM_004360.5 (MANE Select); coding-DNA position 557, G replaced by T.
Protein change: p.Gly186Val; replaces glycine 186 with valine.
Molecular consequence: missense variant. On other transcripts: 5 prime UTR variant (2).
Genome position (GRCh38, 1-based): chr16:68,808,718, G>T. VCF-style: chr16-68808718-G-T. GRCh37 (hg19) VCF-style: chr16-68842621-G-T.
Other names: c.557G>T, p.Gly186Val (NM_001317184.2); c.-1059G>T (NM_001317185.2); c.-1263G>T (NM_001317186.2); c.557G>T (LRG_301t1); short protein forms G186V.
Identifiers: ClinVar variation 571884 (VCV000571884.11), dbSNP rs1567504752, ClinGen allele CA396457897.

ClinVar aggregate classification (germline): Conflicting classifications of pathogenicity. Review status: criteria provided, conflicting classifications (1 of 4 stars). 2 submissions from 2 submitters: Uncertain significance (1); Likely benign (1). Last evaluated 2026-01-18.

Conditions:
Hereditary cancer-predisposing syndrome. Also called: Hereditary neoplastic syndrome; Neoplastic Syndromes, Hereditary; Hereditary Cancer Syndrome; Tumor predisposition. Identifiers: Orphanet 140162, MedGen C0027672, MeSH D009386, MONDO:0015356.
Hereditary diffuse gastric adenocarcinoma (HDGC). Also called: DIFFUSE GASTRIC AND LOBULAR BREAST CANCER SYNDROME. Identifiers: Orphanet 26106, MedGen C1708349, MONDO:0007648, OMIM 137215.

Allele frequency attached by ClinVar (database versions not stated): gnomAD exomes below 0.00001.
gnomAD v4.1: 1 of 1,614,134 alleles (0.000062%); highest among the groups gnomAD compares: Non-Finnish European, 0.000085%; no homozygotes.

Submissions (2):

Labcorp Genetics (formerly Invitae), Labcorp
Classification: Uncertain significance for Hereditary diffuse gastric adenocarcinoma. Last evaluated: 2026-01-18. Review status: criteria provided, single submitter. Criteria: Invitae Variant Classification Sherloc (09022015). Collection method: clinical testing. Allele origin: germline.
Comment: This sequence change replaces glycine, which is neutral and non-polar, with valine, which is neutral and non-polar, at codon 186 of the CDH1 protein (p.Gly186Val). This variant is not present in population databases (gnomAD no frequency). This variant has not been reported in the literature in individuals affected with CDH1-related conditions. ClinVar contains an entry for this variant (Variation ID: 571884). An algorithm developed to predict the effect of missense changes on protein structure and function (PolyPhen-2) suggests that this variant is likely to be tolerated. In summary, the available evidence is currently insufficient to determine the role of this variant in disease. Therefore, it has been classified as a Variant of Uncertain Significance.

Ambry Genetics
Classification: Likely benign for Hereditary cancer-predisposing syndrome. Last evaluated: 2025-06-17. Review status: criteria provided, single submitter. Criteria: Ambry Variant Classification Scheme 2023. Collection method: clinical testing. Allele origin: germline.